The following is an entry in ClinVar:

NM_174951.3(FAM9A):c.566A>T (p.Asp189Val)

Gene: FAM9A (family with sequence similarity 9 member A; minus strand). Cytogenetic location: Xp22.31.
Variant type: single nucleotide variant.
Coding change: c.566A>T on transcript NM_174951.3 (MANE Select); coding-DNA position 566, A replaced by T.
Protein change: p.Asp189Val; replaces aspartic acid 189 with valine.
Molecular consequence: missense variant.
Genome position (GRCh38, 1-based): chrX:8,795,343, T>A on the plus strand (A>T on the coding strand, the complement: FAM9A is on the minus strand). VCF-style: chrX-8795343-T-A. GRCh37 (hg19) VCF-style: chrX-8763384-T-A.
Other names: c.566A>T, p.Asp189Val (NM_001171186.1); short protein forms D189V.
Identifiers: ClinVar variation 5036302 (VCV005036302.1).

ClinVar aggregate classification (germline): Uncertain significance (1 of 4 stars; one submission).

Submission:

Ambry Genetics
Classification: Uncertain significance. Last evaluated: 2026-07-02. Review status: criteria provided, single submitter. Criteria: Ambry Variant Classification Scheme 2023. Collection method: clinical testing. Allele origin: germline.
Comment: The c.566A>T (p.D189V) alteration is located in exon 7 (coding exon 6) of the FAM9A gene. This alteration results from a A to T substitution at nucleotide position 566, causing the aspartic acid (D) at amino acid position 189 to be replaced by a valine (V). Based on data from gnomAD, the T allele has an overall frequency of 0.005% (1/21949) total alleles studied. The highest observed frequency was 0.009% (1/10824) of European (non-Finnish) alleles. Based on insufficient or conflicting evidence, the clinical significance of this alteration remains unclear.